The following is an entry in ClinVar:

ClinVar aggregate classification (germline): Likely pathogenic (1 of 4 stars; one submission).

Conditions:
DCDC2-related disorder. Also called: DCDC2-related condition.

gnomAD v4.1: 2 of 1,613,884 alleles (0.00012%); highest among the groups gnomAD compares: Non-Finnish European, 0.00017%; no homozygotes.

Submission:

PreventionGenetics, part of Exact Sciences
Classification: Likely pathogenic for DCDC2-related condition. Last evaluated: 2025-03-27. Review status: criteria provided, single submitter. Criteria: ACMG Guidelines, 2015. Collection method: clinical testing. Allele origin: germline.
Comment: The DCDC2 c.613C>T variant is predicted to result in premature protein termination (p.Gln205*). To our knowledge, this variant has not been reported in the literature or in a large population database (gnomAD), indicating this variant is rare. Nonsense variants in DCDC2 are expected to be pathogenic. This variant is interpreted as likely pathogenic.

NM_016356.5(DCDC2):c.613C>T (p.Gln205Ter)

Gene: DCDC2 (doublecortin domain containing 2; minus strand). Cytogenetic location: 6p22.3.
Variant type: single nucleotide variant.
Coding change: c.613C>T on transcript NM_016356.5 (MANE Select); coding-DNA position 613, C replaced by T.
Protein change: p.Gln205Ter; replaces glutamine 205 with a stop codon.
Molecular consequence: nonsense.
Genome position (GRCh38, 1-based): chr6:24,291,023, G>A on the plus strand (C>T on the coding strand, the complement: DCDC2 is on the minus strand). VCF-style: chr6-24291023-G-A. GRCh37 (hg19) VCF-style: chr6-24291251-G-A.
Other names: c.613C>T, p.Gln205Ter (NM_001195610.2); short protein forms Q205*.
Identifiers: ClinVar variation 5000562 (VCV005000562.1).
Genomic context (GRCh38, chr6:24,291,023, plus strand): 5'-AAAGTAACTCACTGTAAGGCAGTTTCTTAAACTTATCTCTGCCAACAGCCACATAAAACT[G>A]CCCATTCTCCAACTCTGCTCCACTCTCAACAAGTTTTCCTTCTAAAGTATAAAGCCTGTC-3'